The following is an entry in ClinVar:

ClinVar aggregate classification (germline): Likely pathogenic (1 of 4 stars; one submission).

Conditions:
Hereditary cancer-predisposing syndrome. Also called: Neoplastic Syndromes, Hereditary; Tumor predisposition; Hereditary Cancer Syndrome; Hereditary neoplastic syndrome. Identifiers: Orphanet 140162, MedGen C0027672, MeSH D009386, MONDO:0015356.

Submission:

Ambry Genetics
Classification: Likely pathogenic for Hereditary cancer-predisposing syndrome. Last evaluated: 2022-08-31. Review status: criteria provided, single submitter. Criteria: Ambry Variant Classification Scheme 2023. Collection method: clinical testing. Allele origin: germline.
Comment: The c.3438G>T variant (also known as p.Q1146H), located in coding exon 5 of the MSH6 gene, results from a G to T substitution at nucleotide position 3438. The amino acid change results in glutamine to histidine at codon 1146, an amino acid with highly similar properties. However, this change occurs in the last base pair of coding exon 5, which makes it likely to have some effect on normal mRNA splicing. Another alteration impacting the same last nucleotide position, c.3438G>C that results in same amino acid change p.Q1146H, has been observed in multiple affected individuals whose tumors showed absent MSH6 staining on IHC (Ambry internal data). This variant is considered to be rare based on population cohorts in the Genome Aggregation Database (gnomAD). This nucleotide position is highly conserved in available vertebrate species. In silico splice site analysis predicts that this alteration will weaken the native splice donor site. In addition, as a missense substitution this alteration is predicted to be deleterious by in silico analysis. Based on the majority of available evidence to date, this variant is likely to be pathogenic.

NM_000179.3(MSH6):c.3438G>T (p.Gln1146His)

Gene: MSH6 (mutS homolog 6; plus strand). Cytogenetic location: 2p16.3.
Variant type: single nucleotide variant.
Coding change: c.3438G>T on transcript NM_000179.3 (MANE Select); coding-DNA position 3438, G replaced by T.
Protein change: p.Gln1146His; replaces glutamine 1146 with histidine.
Molecular consequence: missense variant.
Genome position (GRCh38, 1-based): chr2:47,803,685, G>T. VCF-style: chr2-47803685-G-T. GRCh37 (hg19) VCF-style: chr2-48030824-G-T.
Other names: c.3048G>T, p.Gln1016His (NM_001281492.2); c.2532G>T, p.Gln844His (NM_001281493.2, NM_001281494.2, NM_001406811.1 and 6 more transcripts); c.3534G>T, p.Gln1178His (NM_001406795.1, NM_001406802.1); c.3438G>T, p.Gln1146His (NM_001406796.1, NM_001406800.1, NM_001406808.1 and 1 more transcripts); c.3141G>T, p.Gln1047His (NM_001406797.1, NM_001406801.1, NM_001406805.1 and 10 more transcripts); c.3264G>T, p.Gln1088His (NM_001406798.1); c.2913G>T, p.Gln971His (NM_001406799.1, NM_001406806.1, NM_001406807.1); c.2574G>T, p.Gln858His (NM_001406803.1); and 7 more; short protein forms Q1016H, Q1178H, Q858H, Q971H, Q1047H, Q1146H, Q1148H, Q95H.
Identifiers: ClinVar variation 1731431 (VCV001731431.2), dbSNP rs1114167759, ClinGen allele CA346758972.